The following is an entry in ClinVar:

NM_000260.4(MYO7A):c.1554+2T>G

Gene: MYO7A (myosin VIIA; plus strand). Cytogenetic location: 11q13.5.
Variant type: single nucleotide variant.
Coding change: c.1554+2T>G on transcript NM_000260.4 (MANE Select); the canonical splice donor site of the intron after coding-DNA position 1554, T replaced by G.
Molecular consequence: splice donor variant.
Genome position (GRCh38, 1-based): chr11:77,162,332, T>G. VCF-style: chr11-77162332-T-G. GRCh37 (hg19) VCF-style: chr11-76873378-T-G.
Other names: c.1521+2T>G (NM_001369365.1); c.1554+2T>G (NM_001127180.2).
Identifiers: ClinVar variation 3601455 (VCV003601455.1).

ClinVar aggregate classification (germline): Likely pathogenic (1 of 4 stars; one submission).

Conditions:
Autosomal recessive nonsyndromic hearing loss 2. Also called: NEUROSENSORY NONSYNDROMIC RECESSIVE DEAFNESS 2; DEAFNESS, AUTOSOMAL RECESSIVE 2. Identifiers: Orphanet 90636, MedGen C1838701, MONDO:0010807, OMIM 600060.

Submission:

Institute of Rare Diseases, West China Hospital, Sichuan University
Classification: Likely pathogenic for Autosomal recessive nonsyndromic hearing loss 2. Last evaluated: 2025-01-09. Review status: criteria provided, single submitter. Criteria: ClinGen HL ACMG Specifications v1. Collection method: research. Allele origin: germline. Affected: yes.
Comment: PVS1;PM2_Supporting